The following is an entry in ClinVar:

NM_001035.3(RYR2):c.3735G>A (p.Arg1245=)

Gene: RYR2 (ryanodine receptor 2; plus strand). Cytogenetic location: 1q43.
Variant type: single nucleotide variant.
Coding change: c.3735G>A on transcript NM_001035.3 (MANE Select); coding-DNA position 3735, G replaced by A.
Protein change: p.Arg1245=; no amino-acid change (arginine 1245 retained).
Molecular consequence: synonymous variant.
Genome position (GRCh38, 1-based): chr1:237,589,929, G>A. VCF-style: chr1-237589929-G-A. GRCh37 (hg19) VCF-style: chr1-237753229-G-A.
Identifiers: ClinVar variation 165092 (VCV000165092.23), dbSNP rs190884873, ClinGen allele CA009339.

ClinVar aggregate classification (germline): Likely benign. Review status: criteria provided, multiple submitters, no conflicts (2 of 4 stars). 8 submissions from 8 submitters: Likely benign (8). Last evaluated 2026-08-01.

Conditions:
Cardiovascular phenotype. Identifiers: MedGen CN230736.
Catecholaminergic polymorphic ventricular tachycardia (CVPT). Also called: Catecholamine-induced polymorphic ventricular tachycardia. Identifiers: Orphanet 3286, MedGen C5574922, MONDO:0017990.
Catecholaminergic polymorphic ventricular tachycardia 1. Also called: VENTRICULAR TACHYCARDIA, STRESS-INDUCED POLYMORPHIC 1; VENTRICULAR TACHYCARDIA, CATECHOLAMINERGIC POLYMORPHIC, 1, WITH OR WITHOUT ATRIAL DYSFUNCTION AND/OR DILATED CARDIOMYOPATHY; RYR2-Related Catecholaminergic Polymorphic Ventricular Tachycardia. Identifiers: Orphanet 3286, MedGen C1631597, MONDO:0011484, OMIM 604772.
Cardiomyopathy (CMYO). Also called: Cardiomyopathies. Identifiers: Orphanet 167848, MedGen C0878544, MONDO:0004994, HP:0001638. Inheritance: Various modes of inheritance.

Allele frequency attached by ClinVar (database versions not stated): gnomAD 0.00001 and 0.00002; gnomAD exomes 0.00001 and 0.00003; TOPMed 0.00001; ExAC 0.00002; 1000 Genomes Project 30x 0.00016; 1000 Genomes Project 0.00020.
gnomAD v4.1: 12 of 1,613,810 alleles (0.00074%); highest among the groups gnomAD compares: Admixed American, 0.015%; no homozygotes.

Submissions (8):

CeGaT Center for Human Genetics Tuebingen
Classification: Likely benign. Last evaluated: 2026-08-01. Review status: criteria provided, single submitter. Criteria: CeGaT Center For Human Genetics Tuebingen Variant Classification Criteria Version 2. Collection method: clinical testing. Allele origin: germline. Affected: yes. Observed: 1 variant allele.
Comment: RYR2: BP4, BP7

Labcorp Genetics (formerly Invitae), Labcorp
Classification: Likely benign for Catecholaminergic polymorphic ventricular tachycardia 1. Last evaluated: 2025-11-25. Review status: criteria provided, single submitter. Criteria: Invitae Variant Classification Sherloc (09022015). Collection method: clinical testing. Allele origin: germline.

All of Us Research Program, National Institutes of Health
Classification: Likely benign for Catecholaminergic polymorphic ventricular tachycardia. Last evaluated: 2023-12-13. Review status: criteria provided, single submitter. Criteria: ACMG Guidelines, 2015. Collection method: clinical testing. Allele origin: germline. Inheritance: Autosomal dominant inheritance. Observed: 5 variant alleles, 5 heterozygotes.
Comment: This study involves interpretation of variants in research participants for the purpose of population health screening. Participant phenotype was not available at the time of variant classification. Additional details can be found in publication PMID: 35346344, PMCID: PMC8962531

Blueprint Genetics
Classification: Likely benign. Last evaluated: 2022-07-14. Review status: criteria provided, single submitter. Criteria: ACMG Guidelines, 2015. Collection method: clinical testing. Allele origin: germline.

Ambry Genetics
Classification: Likely benign for Cardiovascular phenotype. Last evaluated: 2022-04-04. Review status: criteria provided, single submitter. Criteria: Ambry Variant Classification Scheme 2023. Collection method: clinical testing. Allele origin: germline.

Color Diagnostics, LLC DBA Color Health
Classification: Likely benign for Cardiomyopathy. Last evaluated: 2021-03-03. Review status: criteria provided, single submitter. Criteria: ACMG Guidelines, 2015. Collection method: clinical testing. Allele origin: germline.

Women's Health and Genetics/Laboratory Corporation of America, LabCorp
Classification: Likely benign. Last evaluated: 2019-08-29. Review status: criteria provided, single submitter. Criteria: LabCorp Variant Classification Summary - May 2015. Collection method: clinical testing. Allele origin: germline.

Laboratory for Molecular Medicine, Mass General Brigham Personalized Medicine
Classification: Likely benign. Last evaluated: 2014-04-04. Review status: criteria provided, single submitter. Criteria: LMM Criteria. Collection method: clinical testing. Allele origin: germline. Observed: 1 variant allele.
Comment: Arg1245Arg in exon 30 of RYR2: This variant is not expected to have clinical sig nificance because it does not alter an amino acid residue and is not located wit hin the splice consensus sequence. It has been identified in 0.8% (1/132) of Mex ican chromosomes from a broad population by the 1000 Genomes Project (.; dbSNP rs190884873).